The following is an entry in ClinVar:

NM_005097.4(LGI1):c.625C>T (p.Arg209Cys)

Gene: LGI1 (leucine rich glioma inactivated 1; plus strand). Cytogenetic location: 10q23.33.
Variant type: single nucleotide variant.
Coding change: c.625C>T on transcript NM_005097.4 (MANE Select); coding-DNA position 625, C replaced by T.
Protein change: p.Arg209Cys; replaces arginine 209 with cysteine.
Molecular consequence: missense variant. On other transcripts: non-coding transcript variant (1).
Genome position (GRCh38, 1-based): chr10:93,792,864, C>T. VCF-style: chr10-93792864-C-T. GRCh37 (hg19) VCF-style: chr10-95552621-C-T.
Other names: c.625C>T, p.Arg209Cys (NM_001308275.2); c.481C>T, p.Arg161Cys (NM_001308276.2); short protein forms R209C, R161C.
Identifiers: ClinVar variation 577122 (VCV000577122.10), dbSNP rs751825973, ClinGen allele CA5611140.

ClinVar aggregate classification (germline): Uncertain significance. Review status: criteria provided, multiple submitters, no conflicts (2 of 4 stars). 2 submissions from 2 submitters: Uncertain significance (2). Last evaluated 2023-02-27.

Conditions:
Autosomal dominant epilepsy with auditory features. Identifiers: Orphanet 101046, MedGen C1838062, MONDO:0010898.

Allele frequency attached by ClinVar (database versions not stated): TOPMed below 0.00001; ExAC 0.00001; gnomAD exomes 0.00001.

Submissions (2):

GeneDx
Classification: Uncertain significance. Last evaluated: 2023-02-27. Review status: criteria provided, single submitter. Criteria: GeneDx Variant Classification Process June 2021. Collection method: clinical testing. Allele origin: germline. Affected: yes.
Comment: In silico analysis supports that this missense variant has a deleterious effect on protein structure/function; Has not been previously published as pathogenic or benign to our knowledge

Labcorp Genetics (formerly Invitae), Labcorp
Classification: Uncertain significance for Autosomal dominant epilepsy with auditory features. Last evaluated: 2018-06-04. Review status: criteria provided, single submitter. Criteria: Invitae Variant Classification Sherloc (09022015). Collection method: clinical testing. Allele origin: germline.
Comment: In summary, the available evidence is currently insufficient to determine the role of this variant in disease. Therefore, it has been classified as a Variant of Uncertain Significance. Algorithms developed to predict the effect of missense changes on protein structure and function (SIFT, PolyPhen-2, Align-GVGD) all suggest that this variant is likely to be disruptive, but these predictions have not been confirmed by published functional studies and their clinical significance is uncertain. This variant has not been reported in the literature in individuals with LGI1-related disease. This variant is present in population databases (rs751825973, ExAC 0.001%). This sequence change replaces arginine with cysteine at codon 209 of the LGI1 protein (p.Arg209Cys). The arginine residue is moderately conserved and there is a large physicochemical difference between arginine and cysteine.